The following is an entry in ClinVar:

ClinVar aggregate classification (germline): Uncertain significance (1 of 4 stars; one submission).

Conditions:
Hereditary sensory neuropathy-deafness-dementia syndrome. Also called: NEUROPATHY, HEREDITARY SENSORY, WITH HEARING LOSS AND DEMENTIA; Hereditary Sensory and Autonomic Neuropathy Type 1E (HSAN1E); Hereditary sensory neuropathy type IE; HSN IE. Identifiers: Orphanet 456318, MedGen C3279885, MONDO:0013584, OMIM 614116.

Allele frequency attached by ClinVar (database versions not stated): gnomAD exomes below 0.00001; ExAC 0.00001.
gnomAD v4.1: 1 of 1,614,006 alleles (0.000062%); highest among the groups gnomAD compares: Non-Finnish European, 0.000085%; no homozygotes.

Submission:

Labcorp Genetics (formerly Invitae), Labcorp
Classification: Uncertain significance for Hereditary sensory neuropathy-deafness-dementia syndrome. Last evaluated: 2023-10-16. Review status: criteria provided, single submitter. Criteria: Invitae Variant Classification Sherloc (09022015). Collection method: clinical testing. Allele origin: germline.
Comment: This sequence change replaces methionine, which is neutral and non-polar, with threonine, which is neutral and polar, at codon 597 of the DNMT1 protein (p.Met597Thr). This variant is present in population databases (rs775941265, gnomAD 0.0009%). This variant has not been reported in the literature in individuals affected with DNMT1-related conditions. Advanced modeling of protein sequence and biophysical properties (such as structural, functional, and spatial information, amino acid conservation, physicochemical variation, residue mobility, and thermodynamic stability) performed at Invitae indicates that this missense variant is expected to disrupt DNMT1 protein function. In summary, the available evidence is currently insufficient to determine the role of this variant in disease. Therefore, it has been classified as a Variant of Uncertain Significance.

NM_001130823.3(DNMT1):c.1790T>C (p.Met597Thr)

Gene: DNMT1 (DNA methyltransferase 1; minus strand). Cytogenetic location: 19p13.2.
Variant type: single nucleotide variant.
Coding change: c.1790T>C on transcript NM_001130823.3 (MANE Select); coding-DNA position 1790, T replaced by C.
Protein change: p.Met597Thr; replaces methionine 597 with threonine.
Molecular consequence: missense variant.
Genome position (GRCh38, 1-based): chr19:10,154,628, A>G on the plus strand (T>C on the coding strand, the complement: DNMT1 is on the minus strand). VCF-style: chr19-10154628-A-G. GRCh37 (hg19) VCF-style: chr19-10265304-A-G.
Other names: c.1742T>C, p.Met581Thr (NM_001318730.2, NM_001379.4); c.1427T>C, p.Met476Thr (NM_001318731.2); short protein forms M597T, M581T, M476T.
Identifiers: ClinVar variation 2999984 (VCV002999984.3), dbSNP rs775941265, ClinGen allele CA9188216.
Genomic context (GRCh38, chr19:10,154,628, plus strand): 5'-TCCCTGCCGCATCCTTACCTCTGTCCCAGCGTGACCCCAGCCAGCTTGATCAGGTCCCGC[A>G]TGCAGGGTGTCAGGAAGATGGGCTGCTCATCACTGTCCCCGGCCTCGTCATAACTCTCCA-3'
Protein context (NP_001124295.1, residues 587-607): DEQPIFLTPC[Met597Thr]RDLIKLAGVT